The following is an entry in ClinVar:

NM_000492.4(CFTR):c.1778_1779del (p.Lys593fs)

Gene: CFTR (CF transmembrane conductance regulator; plus strand). Cytogenetic location: 7q31.2.
Variant type: Deletion.
Coding change: c.1778_1779del on transcript NM_000492.4 (MANE Select); coding-DNA positions 1778 to 1779, 2 bases deleted (AA; older notation c.1778_1779delAA).
Protein change: p.Lys593fs; shifts the reading frame from lysine 593.
Molecular consequence: frameshift variant.
Genome position (GRCh38, 1-based): chr7:117,591,945-117,591,946, AA deleted; deleting any 2 consecutive bases within chr7:117,591,944-117,591,946 gives the same sequence; the c. name uses the placement nearest the transcript's 3' end. VCF-style (leftmost placement, unchanged base first): chr7-117591943-TAA-T. GRCh37 (hg19) VCF-style: chr7-117231997-TAA-T.
Other names: short protein forms K593fs.
Identifiers: ClinVar variation 1724404 (VCV001724404.2), dbSNP rs2485109080, ClinGen allele CA2580076494.

ClinVar aggregate classification (germline): Likely pathogenic (1 of 4 stars; one submission).

Conditions:
Cystic fibrosis (CF). Also called: MUCOVISCIDOSIS. Identifiers: Orphanet 586, MedGen C0010674, MONDO:0009061, OMIM 219700. Disease mechanism: loss of function.

Submission:

Myriad Genetics, Inc.
Classification: Likely pathogenic for Cystic fibrosis. Last evaluated: 2022-02-12. Review status: criteria provided, single submitter. Criteria: Myriad Women's Health Autosomal Recessive and X-Linked Classification Criteria (2021). Collection method: clinical testing. Allele origin: unknown.
Comment: NM_000492.3(CFTR):c.1778_1779delAA(K593Tfs*4) is expected to be pathogenic in the context of cystic fibrosis. This variant is predicted to lead to an abnormal or absent protein product due to the creation of a premature termination codon in CFTR, a gene where loss-of-function variants are known to be pathogenic. Please note: this variant was assessed in the context of healthy population screening.